The following is an entry in ClinVar:

ClinVar aggregate classification (germline): Uncertain significance. Review status: criteria provided, multiple submitters, no conflicts (2 of 4 stars). 3 submissions from 3 submitters: Uncertain significance (3). Last evaluated 2019-10-17.

Conditions:
Leigh syndrome (NULS). Also called: Subacute necrotizing encephalopathy; Necrotizing encephalopathy infantile subacute of Leigh; LEIGH SYNDROME, NUCLEAR; Leigh's necrotizing encephalopathy; Leigh's disease; Leigh Syndrome (mtDNA deletion). Identifiers: Orphanet 506, MedGen C2931891, MONDO:0009723, OMIM 256000.
Leber optic atrophy (LHON). Also called: Leber hereditary optic neuropathy; Leber's disease; Leber's optic atrophy; Optic Atrophy, Hereditary, Leber. Identifiers: Orphanet 104, MedGen C0917796, MONDO:0010788, OMIM 535000, HP:0001112.
Seizure. Also called: Seizures. Identifiers: MedGen C0036572, HP:0001250.

Submissions (3):

Wong Mito Lab, Molecular and Human Genetics, Baylor College of Medicine
Classification: Uncertain significance for Leigh syndrome. Last evaluated: 2019-10-17. Review status: criteria provided, single submitter. Criteria: Modified ACMG Guidelines (Unpublished). Collection method: clinical testing. Allele origin: germline.
Comment: The NC_012920.1:m.11360A>G (YP_003024035.1:p.Met201Val) variant in MTND4 gene is interpretated to be a Uncertain Significance variant based on the modified ACMG guidelines (unpublished). This variant meets the following evidence codes: PP7, BP6

Fulgent Genetics
Classification: Uncertain significance for Leber optic atrophy. Last evaluated: 2018-10-31. Review status: criteria provided, single submitter. Criteria: ACMG Guidelines, 2015. Collection method: clinical testing. Allele origin: unknown.

Centre for Mendelian Genomics, University Medical Centre Ljubljana
Classification: Uncertain significance for Seizure. Last evaluated: 2017-01-01. Review status: criteria provided, single submitter. Criteria: ACMG Guidelines, 2015. Collection method: clinical testing. Allele origin: unknown. Affected: yes.

NC_012920.1(MT-ND4):m.11360A>G

Gene: MT-ND4 (mitochondrially encoded NADH dehydrogenase 4; plus strand).
Variant type: single nucleotide variant.
Genome position: chrM-11360-A-G.
Identifiers: ClinVar variation 523304 (VCV000523304.4), dbSNP rs878928689, ClinGen allele CA337099170.